The following is an entry in ClinVar:

ClinVar aggregate classification (germline): Likely benign (1 of 4 stars; one submission).

gnomAD v4.1: 115 of 1,613,718 alleles (0.0071%); highest among the groups gnomAD compares: Middle Eastern, 0.066%; no homozygotes.

Submission:

CeGaT Center for Human Genetics Tuebingen
Classification: Likely benign. Last evaluated: 2026-09-01. Review status: criteria provided, single submitter. Criteria: CeGaT Center For Human Genetics Tuebingen Variant Classification Criteria Version 2. Collection method: clinical testing. Allele origin: germline. Affected: yes. Observed: 1 variant allele.
Comment: DOCK4: BS2

NM_001363540.2(DOCK4):c.3296G>A (p.Arg1099Gln)

Gene: DOCK4 (dedicator of cytokinesis 4; minus strand). Cytogenetic location: 7q31.1.
Variant type: single nucleotide variant.
Coding change: c.3296G>A on transcript NM_001363540.2 (MANE Select); coding-DNA position 3296, G replaced by A.
Protein change: p.Arg1099Gln; replaces arginine 1099 with glutamine.
Molecular consequence: missense variant.
Genome position (GRCh38, 1-based): chr7:111,790,476, C>T on the plus strand (G>A on the coding strand, the complement: DOCK4 is on the minus strand). VCF-style: chr7-111790476-C-T. GRCh37 (hg19) VCF-style: chr7-111430532-C-T.
Other names: c.3296G>A, p.Arg1099Gln (NM_014705.4); short protein forms R1099Q.
Identifiers: ClinVar variation 5040978 (VCV005040978.1).